The following is an entry in ClinVar:

ClinVar aggregate classification (germline): Uncertain significance. Review status: criteria provided, single submitter (1 of 4 stars). 2 submissions from 2 submitters: Uncertain significance (1). 1 of the submissions does not count toward it. Last evaluated 2024-05-01.

Conditions:
Glutamate pyruvate transaminase 2 deficiency (NEDSPM). Also called: Neurodevelopmental disorder with microcephaly and spastic paraplegia. Identifiers: Orphanet 477673, MedGen C4225388, MONDO:0014567, OMIM 616281.

Allele frequency attached by ClinVar (database versions not stated): gnomAD exomes 0.00001.
gnomAD v4.1: 4 of 1,613,518 alleles (0.00025%); highest among the groups gnomAD compares: African/African-American, 0.0027%; no homozygotes.

Submissions (2):

GeneDx
Classification: Uncertain significance. Last evaluated: 2024-05-01. Review status: criteria provided, single submitter. Criteria: GeneDx Variant Classification Process June 2021. Collection method: clinical testing. Allele origin: germline. Affected: yes.
Comment: Intronic +5 splice site variant in a gene for which loss of function is a known mechanism of disease, and splice predictors support a deleterious effect; Has not been previously published as pathogenic or benign to our knowledge

Service de Génétique Moléculaire, Hôpital Robert Debré
Classification: Uncertain significance for Glutamate pyruvate transaminase 2 deficiency. Last evaluated: 2020-04-17. Review status: no assertion criteria provided. Collection method: clinical testing. Allele origin: maternal. Inheritance: Autosomal recessive inheritance. Affected: yes. Observed: 2 variant alleles, 1 heterozygote, 1 compound heterozygote. Not counted in ClinVar's aggregate classification.
Comment: Composite heterozygote, observed with the variant NM_133443.3:c.1177dupG

NM_133443.4(GPT2):c.1037+5G>A

Gene: GPT2 (glutamic--pyruvic transaminase 2; plus strand). Cytogenetic location: 16q11.2.
Variant type: single nucleotide variant.
Coding change: c.1037+5G>A on transcript NM_133443.4 (MANE Select); 5 bases into the intron after coding-DNA position 1037, G replaced by A.
Molecular consequence: intron variant.
Genome position (GRCh38, 1-based): chr16:46,918,762, G>A. VCF-style: chr16-46918762-G-A. GRCh37 (hg19) VCF-style: chr16-46952674-G-A.
Other names: c.737+5G>A (NM_001142466.3).
Identifiers: ClinVar variation 997801 (VCV000997801.3), dbSNP rs1277787958, ClinGen allele CA622189342.
Genomic context (GRCh38, chr16:46,918,762, plus strand): 5'-TCCAGCAACGTGGAGCTCGCCTCCTTCCACTCCACCTCCAAGGGCTACATGGGCGAGTAC[G>A]TGGGCCTCCCTTCCCTCTGCCACTGCTGGGCCTGCCAGATCCTCACGCTGCCGGCTCCTC-3'